The following is an entry in ClinVar:

ClinVar aggregate classification (germline): Conflicting classifications of pathogenicity. Review status: criteria provided, conflicting classifications (1 of 4 stars). 3 submissions from 3 submitters: Uncertain significance (2); Likely benign (1). Last evaluated 2021-07-15.

Conditions:
Early-infantile DEE. Also called: Ohtahara syndrome; Early infantile epileptic encephalopathy; Early infantile epileptic encephalopathy with suppression bursts. Identifiers: Orphanet 1934, MedGen C0393706, MONDO:0800491.
Developmental and epileptic encephalopathy, 5 (DEE5). Identifiers: Orphanet 3451, MedGen C3150731, MONDO:0013277, OMIM 613477.

Allele frequency attached by ClinVar (database versions not stated): gnomAD exomes below 0.00001; gnomAD 0.00001.
gnomAD v4.1: 2 of 1,614,146 alleles (0.00012%); highest among the groups gnomAD compares: Middle Eastern, 0.016%; no homozygotes.

Submissions (3):

Genome-Nilou Lab
Classification: Uncertain significance for Developmental and epileptic encephalopathy, 5. Last evaluated: 2021-07-15. Review status: criteria provided, single submitter. Criteria: ACMG Guidelines, 2015. Collection method: clinical testing. Allele origin: germline. Affected: no.

GeneDx
Classification: Likely benign. Last evaluated: 2018-09-11. Review status: criteria provided, single submitter. Criteria: GeneDx Variant Classification Process June 2021. Collection method: clinical testing. Allele origin: germline. Affected: yes.

Labcorp Genetics (formerly Invitae), Labcorp
Classification: Uncertain significance for Early-infantile DEE. Last evaluated: 2016-11-30. Review status: criteria provided, single submitter. Criteria: Invitae Variant Classification Sherloc (09022015). Collection method: clinical testing. Allele origin: germline.
Comment: This sequence change replaces methionine with valine at codon 541 of the SPTAN1 protein (p.Met541Val). The methionine residue is moderately conserved and there is a small physicochemical difference between methionine and valine. In summary, this variant is a rare missense change that is not predicted to affect protein function. There is no indication that it causes disease, but the available evidence is currently insufficient to prove that conclusively. Therefore, it has been classified as a Variant of Uncertain Significance. Algorithms developed to predict the effect of missense changes on protein structure and function (SIFT, PolyPhen-2, Align-GVGD) all suggest that this variant is likely to be tolerated, but these predictions have not been confirmed by published functional studies. This variant is not present in population databases (ExAC no frequency) and has not been reported in the literature in individuals with a SPTAN1-related disease. ClinVar contains an entry for this variant (Variation ID: 207321).

NM_001130438.3(SPTAN1):c.1621A>G (p.Met541Val)

Gene: SPTAN1 (spectrin alpha, non-erythrocytic 1; plus strand). Cytogenetic location: 9q34.11.
Variant type: single nucleotide variant.
Coding change: c.1621A>G on transcript NM_001130438.3 (MANE Select); coding-DNA position 1621, A replaced by G.
Protein change: p.Met541Val; replaces methionine 541 with valine.
Molecular consequence: missense variant.
Genome position (GRCh38, 1-based): chr9:128,582,527, A>G. VCF-style: chr9-128582527-A-G. GRCh37 (hg19) VCF-style: chr9-131344806-A-G.
Other names: p.M541V:ATG>GTG; c.1621A>G, p.Met541Val (NM_001195532.2, NM_001363759.2, NM_001363765.2 and 1 more transcripts); short protein forms M541V.
Identifiers: ClinVar variation 207321 (VCV000207321.14), dbSNP rs796053315, ClinGen allele CA318674.
Genomic context (GRCh38, chr9:128,582,527, plus strand): 5'-CTTCCTTCCTAGGCATTAGATGAATTTGCAACCAAGCTAATTCAGAACAACCACTATGCA[A>G]TGGAAGATGTGGCCACTCGCCGAGATGCTGTAAGTTTGTAGGTTCTTCATGCTCCTCCTT-3'
Protein context (NP_001123910.1, residues 531-551): TKLIQNNHYA[Met541Val]EDVATRRDAL